The following is an entry in ClinVar:

NM_004360.5(CDH1):c.780C>T (p.Pro260=)

Gene: CDH1 (cadherin 1; plus strand). Cytogenetic location: 16q22.1.
Variant type: single nucleotide variant.
Coding change: c.780C>T on transcript NM_004360.5 (MANE Select); coding-DNA position 780, C replaced by T.
Protein change: p.Pro260=; no amino-acid change (proline 260 retained).
Molecular consequence: synonymous variant. On other transcripts: 5 prime UTR variant (2).
Genome position (GRCh38, 1-based): chr16:68,810,289, C>T. VCF-style: chr16-68810289-C-T. GRCh37 (hg19) VCF-style: chr16-68844192-C-T.
Other names: c.780C>T (LRG_301t1); c.780C>T, p.Pro260= (NM_001317184.2); c.-836C>T (NM_001317185.2); c.-1040C>T (NM_001317186.2).
Identifiers: ClinVar variation 184143 (VCV000184143.23), dbSNP rs765090311, ClinGen allele CA187958.

ClinVar aggregate classification (germline): Benign/Likely benign. Review status: criteria provided, multiple submitters, no conflicts (2 of 4 stars). 9 submissions from 9 submitters: Benign (1); Likely benign (7). 1 of the submissions does not count toward it. Last evaluated 2026-01-09.

Conditions:
CDH1-related disorder. Also called: CDH1-related condition.
Hereditary cancer-predisposing syndrome. Also called: Neoplastic Syndromes, Hereditary; Tumor predisposition; Hereditary neoplastic syndrome; Hereditary Cancer Syndrome. Identifiers: Orphanet 140162, MedGen C0027672, MeSH D009386, MONDO:0015356.
Hereditary diffuse gastric adenocarcinoma (HDGC). Also called: DIFFUSE GASTRIC AND LOBULAR BREAST CANCER SYNDROME. Identifiers: Orphanet 26106, MedGen C1708349, MONDO:0007648, OMIM 137215.
Malignant tumor of breast. Also called: Malignant breast neoplasm; Cancer breast. Identifiers: MedGen C0006142, MONDO:0007254. Disease mechanism: loss of function.

Allele frequency attached by ClinVar (database versions not stated): gnomAD exomes 0.00002 and 0.00003; ExAC 0.00004; gnomAD 0.00004; TOPMed 0.00006.
gnomAD v4.1: 47 of 1,613,950 alleles (0.0029%); highest among the groups gnomAD compares: African/African-American, 0.0067%; no homozygotes.

Submissions (9):

Labcorp Genetics (formerly Invitae), Labcorp
Classification: Likely benign for Hereditary diffuse gastric adenocarcinoma. Last evaluated: 2026-01-09. Review status: criteria provided, single submitter. Criteria: Invitae Variant Classification Sherloc (09022015). Collection method: clinical testing. Allele origin: germline.

PreventionGenetics, part of Exact Sciences
Classification: Likely benign for CDH1-related condition. Last evaluated: 2025-07-07. Review status: criteria provided, single submitter. Criteria: ACMG Guidelines, 2015. Collection method: clinical testing. Allele origin: germline.
Comment: This variant is classified as likely benign based on ACMG/AMP sequence variant interpretation guidelines (Richards et al. 2015 PMID: 25741868, with internal and published modifications).

Myriad Genetics, Inc.
Classification: Benign for Hereditary diffuse gastric adenocarcinoma. Last evaluated: 2024-09-16. Review status: criteria provided, single submitter. Criteria: Myriad Autosomal Dominant, Autosomal Recessive and X-Linked Classification Criteria (2023). Collection method: clinical testing. Allele origin: unknown.
Comment: This variant is considered benign. This variant is a silent/synonymous amino acid change and it is not expected to impact splicing.

Women's Health and Genetics/Laboratory Corporation of America, LabCorp
Classification: Likely benign. Last evaluated: 2022-04-29. Review status: criteria provided, single submitter. Criteria: LabCorp Variant Classification Summary - May 2015. Collection method: clinical testing. Allele origin: germline.

Quest Diagnostics Nichols Institute San Juan Capistrano
Classification: Likely benign. Last evaluated: 2020-05-17. Review status: criteria provided, single submitter. Criteria: Quest Diagnostics criteria. Collection method: clinical testing. Allele origin: unknown.

GeneDx
Classification: Likely benign. Last evaluated: 2017-06-08. Review status: criteria provided, single submitter. Criteria: GeneDx Variant Classification (06012015). Collection method: clinical testing. Allele origin: germline. Affected: yes.
Comment: This variant is considered likely benign or benign based on one or more of the following criteria: it is a conservative change, it occurs at a poorly conserved position in the protein, it is predicted to be benign by multiple in silico algorithms, and/or has population frequency not consistent with disease.

Color Diagnostics, LLC DBA Color Health
Classification: Likely benign for Hereditary cancer-predisposing syndrome. Last evaluated: 2016-08-08. Review status: criteria provided, single submitter. Criteria: ACMG Guidelines, 2015. Collection method: clinical testing. Allele origin: germline.

Ambry Genetics
Classification: Likely benign for Hereditary cancer-predisposing syndrome. Last evaluated: 2015-06-10. Review status: criteria provided, single submitter. Criteria: Ambry Variant Classification Scheme 2023. Collection method: clinical testing. Allele origin: germline.

Department of Pathology and Laboratory Medicine, Sinai Health System
Classification: Likely benign for Malignant tumor of breast. Review status: no assertion criteria provided. Collection method: clinical testing. Allele origin: unknown. Affected: yes. Study: The Canadian Open Genetics Repository (COGR). Not counted in ClinVar's aggregate classification.
Comment: The CDH1 p.Pro260= variant was not identified in the literature nor was it identified in the Insight Colon Cancer Gene Variant Database, or Zhejiang Colon Cancer Databases. The variant was identified in the following databases: dbSNP (ID: rs765090311) as With Likely benign allele, ClinVar (classified as likely benign by Ambry Genetics, Invitae, GeneDx), and Clinvitae (classified as likely benign ClinVar, Invitae). The variant was identified in control databases in 7 of 246238 chromosomes at a frequency of 0.00003 increasing the likelihood this could be a low frequency variant (Genome Aggregation Consortium Feb 27, 2017). The p.Pro260= variant is not expected to have clinical significance because it does not result in a change of amino acid and is not located in a known consensus splice site. In addition, in silico or computational prediction software programs (SpliceSiteFinder, MaxEntScan, NNSPLICE, GeneSplicer, HumanSpliceFinder) do not predict a difference in splicing. In summary, based on the above information, the clinical significance of this variant cannot be determined with certainty at this time although we would lean towards a more benign role for this variant. This variant is classified as likely benign.